The following is an entry in ClinVar:

NM_001351132.2(PEX5):c.1850G>T (p.Ser617Ile)

Gene: PEX5 (peroxisomal biogenesis factor 5; plus strand). Cytogenetic location: 12p13.31.
Variant type: single nucleotide variant.
Coding change: c.1850G>T on transcript NM_001351132.2 (MANE Select); coding-DNA position 1850, G replaced by T.
Protein change: p.Ser617Ile; replaces serine 617 with isoleucine.
Molecular consequence: missense variant.
Genome position (GRCh38, 1-based): chr12:7,210,153, G>T. VCF-style: chr12-7210153-G-T. GRCh37 (hg19) VCF-style: chr12-7362749-G-T.
Other names: c.1739G>T, p.Ser580Ile (NM_001351124.3, NM_001351126.2, NM_001351127.2 and 7 more transcripts); c.1850G>T, p.Ser617Ile (NM_001351131.2, NM_001351133.2, NM_001351134.2 and 4 more transcripts); c.1784G>T, p.Ser595Ile (NM_001351135.3, NM_001351138.2); c.1841G>T, p.Ser614Ile (NM_001351136.2); c.1715G>T, p.Ser572Ile (NM_001351139.2, NM_001351140.2, NM_001374649.2); c.1826G>T, p.Ser609Ile (NM_000319.5); c.1895G>T, p.Ser632Ile (NM_001131023.2); short protein forms S572I, S617I, S632I, S580I, S595I, S609I, S614I.
Identifiers: ClinVar variation 1041053 (VCV001041053.8), dbSNP rs751637149, ClinGen allele CA383740581.

ClinVar aggregate classification (germline): Uncertain significance (1 of 4 stars; one submission).

Conditions:
Peroxisome biogenesis disorder 2B (PBD2B). Identifiers: Orphanet 44, MedGen C3550234, MONDO:0008736, OMIM 202370.

Submission:

Labcorp Genetics (formerly Invitae), Labcorp
Classification: Uncertain significance for Peroxisome biogenesis disorder 2B. Last evaluated: 2022-06-13. Review status: criteria provided, single submitter. Criteria: Invitae Variant Classification Sherloc (09022015). Collection method: clinical testing. Allele origin: germline.
Comment: Algorithms developed to predict the effect of missense changes on protein structure and function (SIFT, PolyPhen-2, Align-GVGD) all suggest that this variant is likely to be tolerated. ClinVar contains an entry for this variant (Variation ID: 1041053). This variant has not been reported in the literature in individuals affected with PEX5-related conditions. This variant is not present in population databases (gnomAD no frequency). This sequence change replaces serine, which is neutral and polar, with isoleucine, which is neutral and non-polar, at codon 617 of the PEX5 protein (p.Ser617Ile). In summary, the available evidence is currently insufficient to determine the role of this variant in disease. Therefore, it has been classified as a Variant of Uncertain Significance.